The following is an entry in ClinVar:

ClinVar aggregate classification (germline): Uncertain significance (1 of 4 stars; one submission).

Allele frequency attached by ClinVar (database versions not stated): gnomAD exomes below 0.00001; TOPMed 0.00001.
gnomAD v4.1: 2 of 1,613,952 alleles (0.00012%); highest among the groups gnomAD compares: Non-Finnish European, 0.00017%; no homozygotes.

Submission:

Labcorp Genetics (formerly Invitae), Labcorp
Classification: Uncertain significance. Last evaluated: 2022-02-05. Review status: criteria provided, single submitter. Criteria: Invitae Variant Classification Sherloc (09022015). Collection method: clinical testing. Allele origin: germline.
Comment: This sequence change replaces valine, which is neutral and non-polar, with phenylalanine, which is neutral and non-polar, at codon 2 of the DLL3 protein (p.Val2Phe). This variant is not present in population databases (gnomAD no frequency). This variant has not been reported in the literature in individuals affected with DLL3-related conditions. Algorithms developed to predict the effect of missense changes on protein structure and function are either unavailable or do not agree on the potential impact of this missense change (SIFT: "Deleterious"; PolyPhen-2: "Possibly Damaging"; Align-GVGD: "Class C0"). In summary, the available evidence is currently insufficient to determine the role of this variant in disease. Therefore, it has been classified as a Variant of Uncertain Significance.

NM_203486.3(DLL3):c.4G>T (p.Val2Phe)

Gene: DLL3 (delta like canonical Notch ligand 3; plus strand). Cytogenetic location: 19q13.2.
Variant type: single nucleotide variant.
Coding change: c.4G>T on transcript NM_203486.3 (MANE Select); coding-DNA position 4, G replaced by T.
Protein change: p.Val2Phe; replaces valine 2 with phenylalanine.
Molecular consequence: missense variant.
Genome position (GRCh38, 1-based): chr19:39,498,978, G>T. VCF-style: chr19-39498978-G-T. GRCh37 (hg19) VCF-style: chr19-39989618-G-T.
Other names: c.4G>T, p.Val2Phe (NM_016941.4); short protein forms V2F.
Identifiers: ClinVar variation 1498227 (VCV001498227.5), dbSNP rs2079592665, ClinGen allele CA405792624.